The following is an entry in ClinVar:

ClinVar aggregate classification (germline): Likely benign (1 of 4 stars; one submission).

gnomAD v4.1: 146 of 1,587,148 alleles (0.0092%); highest among the groups gnomAD compares: Non-Finnish European, 0.011%; no homozygotes.

Submission:

CeGaT Center for Human Genetics Tuebingen
Classification: Likely benign. Last evaluated: 2026-04-01. Review status: criteria provided, single submitter. Criteria: CeGaT Center For Human Genetics Tuebingen Variant Classification Criteria Version 2. Collection method: clinical testing. Allele origin: germline. Affected: yes. Observed: 1 variant allele.
Comment: APC2: BP4, BP7

NM_005883.3(APC2):c.3234G>A (p.Ser1078=)

Gene: APC2 (APC regulator of Wnt signaling pathway 2; plus strand). Cytogenetic location: 19p13.3.
Variant type: single nucleotide variant.
Coding change: c.3234G>A on transcript NM_005883.3 (MANE Select); coding-DNA position 3234, G replaced by A.
Protein change: p.Ser1078=; no amino-acid change (serine 1078 retained).
Molecular consequence: synonymous variant.
Genome position (GRCh38, 1-based): chr19:1,466,535, G>A. VCF-style: chr19-1466535-G-A. GRCh37 (hg19) VCF-style: chr19-1466534-G-A.
Other names: c.3231G>A, p.Ser1077= (NM_001351273.1).
Identifiers: ClinVar variation 4873572 (VCV004873572.2).